The following is an entry in ClinVar:

ClinVar aggregate classification (germline): Uncertain significance (1 of 4 stars; one submission).

Conditions:
Baller-Gerold syndrome (BGS). Also called: CRANIOSYNOSTOSIS WITH RADIAL DEFECTS. Identifiers: Orphanet 1225, MedGen C0265308, MONDO:0009039, OMIM 218600.

Submission:

Labcorp Genetics (formerly Invitae), Labcorp
Classification: Uncertain significance for Baller-Gerold syndrome. Last evaluated: 2025-12-30. Review status: criteria provided, single submitter. Criteria: Invitae Variant Classification Sherloc (09022015). Collection method: clinical testing. Allele origin: germline.
Comment: This sequence change replaces leucine, which is neutral and non-polar, with valine, which is neutral and non-polar, at codon 228 of the RECQL4 protein (p.Leu228Val). This variant is not present in population databases (gnomAD no frequency). This variant has not been reported in the literature in individuals affected with RECQL4-related conditions. ClinVar contains an entry for this variant (Variation ID: 3656183). Experimental studies and prediction algorithms are not available or were not evaluated, and the functional significance of this variant is currently unknown. In summary, the available evidence is currently insufficient to determine the role of this variant in disease. Therefore, it has been classified as a Variant of Uncertain Significance.

NM_004260.4(RECQL4):c.682C>G (p.Leu228Val)

Gene: RECQL4 (RecQ like helicase 4; minus strand). Cytogenetic location: 8q24.3.
Variant type: single nucleotide variant.
Coding change: c.682C>G on transcript NM_004260.4 (MANE Select); coding-DNA position 682, C replaced by G.
Protein change: p.Leu228Val; replaces leucine 228 with valine.
Molecular consequence: missense variant. On other transcripts: 5 prime UTR variant (15), non-coding transcript variant (3), intron variant (3).
Genome position (GRCh38, 1-based): chr8:144,516,437, G>C on the plus strand (C>G on the coding strand, the complement: RECQL4 is on the minus strand). VCF-style: chr8-144516437-G-C. GRCh37 (hg19) VCF-style: chr8-145741821-G-C.
Other names: c.-390C>G (NM_001413037.1, NM_001413038.1, NM_001413040.1 and 5 more transcripts); c.682C>G, p.Leu228Val (NM_001413039.1, NM_001413020.1, NM_001413033.1 and 4 more transcripts); c.-452C>G (NM_001413041.1, NM_001413027.1, NM_001413030.1 and 2 more transcripts); c.-659C>G (NM_001413043.1); c.355-24C>G (NM_001413029.1); c.-366-24C>G (NM_001413021.1, NM_001413028.1); c.553C>G, p.Leu185Val (NM_001413025.1); c.-294C>G (NM_001413034.1); short protein forms L228V, L185V.
Identifiers: ClinVar variation 3656183 (VCV003656183.2).